The following is an entry in ClinVar:

NM_001367561.1(DOCK7):c.668A>G (p.Asn223Ser)

Gene: DOCK7 (dedicator of cytokinesis 7; minus strand). Cytogenetic location: 1p31.3.
Variant type: single nucleotide variant.
Coding change: c.668A>G on transcript NM_001367561.1 (MANE Select); coding-DNA position 668, A replaced by G.
Protein change: p.Asn223Ser; replaces asparagine 223 with serine.
Molecular consequence: missense variant.
Genome position (GRCh38, 1-based): chr1:62,648,170, T>C on the plus strand (A>G on the coding strand, the complement: DOCK7 is on the minus strand). VCF-style: chr1-62648170-T-C. GRCh37 (hg19) VCF-style: chr1-63113841-T-C.
Other names: c.668A>G, p.Asn223Ser (NM_001271999.2, NM_001272000.2, NM_001272001.2 and 3 more transcripts); short protein forms N223S.
Identifiers: ClinVar variation 2188373 (VCV002188373.4), dbSNP rs757206293, ClinGen allele CA887146.

ClinVar aggregate classification (germline): Uncertain significance (1 of 4 stars; one submission).

Conditions:
Developmental and epileptic encephalopathy, 23 (DEE23). Also called: Epileptic encephalopathy, early infantile, 23. Identifiers: Orphanet 411986, MedGen C4014492, MONDO:0014371, OMIM 615859.

Allele frequency attached by ClinVar (database versions not stated): ExAC 0.00001; TOPMed 0.00001.

Submission:

Labcorp Genetics (formerly Invitae), Labcorp
Classification: Uncertain significance for Developmental and epileptic encephalopathy, 23. Last evaluated: 2022-04-12. Review status: criteria provided, single submitter. Criteria: Invitae Variant Classification Sherloc (09022015). Collection method: clinical testing. Allele origin: germline.
Comment: This sequence change replaces asparagine, which is neutral and polar, with serine, which is neutral and polar, at codon 223 of the DOCK7 protein (p.Asn223Ser). This variant is present in population databases (rs757206293, gnomAD 0.006%). This variant has not been reported in the literature in individuals affected with DOCK7-related conditions. Algorithms developed to predict the effect of missense changes on protein structure and function are either unavailable or do not agree on the potential impact of this missense change (SIFT: "Tolerated"; PolyPhen-2: "Probably Damaging"; Align-GVGD: "Class C0"). In summary, the available evidence is currently insufficient to determine the role of this variant in disease. Therefore, it has been classified as a Variant of Uncertain Significance.